The following is an entry in ClinVar:

NM_000535.7(PMS2):c.605G>A (p.Cys202Tyr)

Gene: PMS2 (PMS1 homolog 2, mismatch repair system component; minus strand). Cytogenetic location: 7p22.1.
Variant type: single nucleotide variant.
Coding change: c.605G>A on transcript NM_000535.7 (MANE Select); coding-DNA position 605, G replaced by A.
Protein change: p.Cys202Tyr; replaces cysteine 202 with tyrosine.
Molecular consequence: missense variant. On other transcripts: 5 prime UTR variant (2), non-coding transcript variant (1), intron variant (9).
Genome position (GRCh38, 1-based): chr7:5,999,208, C>T on the plus strand (G>A on the coding strand, the complement: PMS2 is on the minus strand). VCF-style: chr7-5999208-C-T. GRCh37 (hg19) VCF-style: chr7-6038839-C-T.
Other names: c.200G>A, p.Cys67Tyr (NM_001018040.1, NM_001322003.2, NM_001322004.2 and 20 more transcripts); c.605G>A, p.Cys202Tyr (NM_001322006.2, NM_001322014.2, NM_001406870.1 and 4 more transcripts); c.287G>A, p.Cys96Tyr (NM_001322007.2, NM_001322008.2, NM_001406876.1 and 4 more transcripts); c.-329G>A (NM_001322011.2, NM_001322012.2); c.296G>A, p.Cys99Tyr (NM_001322015.2, NM_001406875.1, NM_001406877.1 and 6 more transcripts); c.791G>A, p.Cys264Tyr (NM_001406866.1); c.629G>A, p.Cys210Tyr (NM_001406868.1); c.269G>A, p.Cys90Tyr (NM_001406885.1); and 6 more; short protein forms C210Y, C96Y, C99Y, C202Y, C264Y, C67Y, C90Y.
Identifiers: ClinVar variation 2847351 (VCV002847351.4), dbSNP rs2128801049, ClinGen allele CA366743997.
Genomic context (GRCh38, chr7:5,999,208, plus strand): 5'-CTGGGGCTTCCACCTGTGCATACCACAGGCTGTCGTTTTCCTTGTCCAAGCTGATTGGTG[C>T]AACTTACACGGATGCCTGCTGAAATGATACAGTATGCATGTAAGACCTGGACCATTTTGG-3'
Protein context (NP_000526.2, residues 192-212): CIISAGIRVS[Cys202Tyr]TNQLGQGKRQ

ClinVar aggregate classification (germline): Uncertain significance. Review status: criteria provided, multiple submitters, no conflicts (2 of 4 stars). 2 submissions from 2 submitters: Uncertain significance (2). Last evaluated 2025-03-28.

Conditions:
Hereditary cancer-predisposing syndrome. Also called: Neoplastic Syndromes, Hereditary; Hereditary Cancer Syndrome; Hereditary neoplastic syndrome; Tumor predisposition. Identifiers: Orphanet 140162, MedGen C0027672, MeSH D009386, MONDO:0015356.
Hereditary nonpolyposis colorectal neoplasms. Identifiers: MedGen C0009405, MeSH D003123.

Allele frequency attached by ClinVar (database versions not stated): gnomAD exomes below 0.00001.

Submissions (2):

Ambry Genetics
Classification: Uncertain significance for Hereditary cancer-predisposing syndrome. Last evaluated: 2025-03-28. Review status: criteria provided, single submitter. Criteria: Ambry Variant Classification Scheme 2023. Collection method: clinical testing. Allele origin: germline.
Comment: The p.C202Y variant (also known as c.605G>A), located in coding exon 6 of the PMS2 gene, results from a G to A substitution at nucleotide position 605. The cysteine at codon 202 is replaced by tyrosine, an amino acid with highly dissimilar properties. This amino acid position is conserved. In addition, this alteration is predicted to be deleterious by in silico analysis. Based on the available evidence, the clinical significance of this variant remains unclear.

Labcorp Genetics (formerly Invitae), Labcorp
Classification: Uncertain significance for Hereditary nonpolyposis colorectal neoplasms. Last evaluated: 2024-04-30. Review status: criteria provided, single submitter. Criteria: Invitae Variant Classification Sherloc (09022015). Collection method: clinical testing. Allele origin: germline.
Comment: This sequence change replaces cysteine, which is neutral and slightly polar, with tyrosine, which is neutral and polar, at codon 202 of the PMS2 protein (p.Cys202Tyr). This variant is not present in population databases (gnomAD no frequency). This variant has not been reported in the literature in individuals affected with PMS2-related conditions. Advanced modeling of protein sequence and biophysical properties (such as structural, functional, and spatial information, amino acid conservation, physicochemical variation, residue mobility, and thermodynamic stability) performed at Invitae indicates that this missense variant is expected to disrupt PMS2 protein function with a positive predictive value of 80%. In summary, the available evidence is currently insufficient to determine the role of this variant in disease. Therefore, it has been classified as a Variant of Uncertain Significance.